The following is an entry in ClinVar:

ClinVar aggregate classification (germline): Uncertain significance. Review status: criteria provided, multiple submitters, no conflicts (2 of 4 stars). 2 submissions from 2 submitters: Uncertain significance (2). Last evaluated 2025-06-10.

Conditions:
Inborn genetic diseases. Identifiers: MedGen C0950123, MeSH D030342.
Peroxisome biogenesis disorder 2B (PBD2B). Identifiers: Orphanet 44, MedGen C3550234, MONDO:0008736, OMIM 202370.

Allele frequency attached by ClinVar (database versions not stated): gnomAD exomes 0.00002; gnomAD 0.00003 and 0.00004; TOPMed 0.00003; ExAC 0.00004; ESP Exome Variant Server 0.00008.
gnomAD v4.1: 8 of 1,593,922 alleles (0.0005%); highest among the groups gnomAD compares: African/African-American, 0.011%; no homozygotes.

Submissions (3):

Ambry Genetics
Classification: Uncertain significance for Inborn genetic diseases. Last evaluated: 2025-06-10. Review status: criteria provided, single submitter. Criteria: Ambry Variant Classification Scheme 2023. Collection method: clinical testing. Allele origin: germline.

Labcorp Genetics (formerly Invitae), Labcorp
Classification: Uncertain significance for Peroxisome biogenesis disorder 2B. Last evaluated: 2022-10-17. Review status: criteria provided, single submitter. Criteria: Invitae Variant Classification Sherloc (09022015). Collection method: clinical testing. Allele origin: germline.
Comment: This sequence change replaces leucine, which is neutral and non-polar, with tryptophan, which is neutral and slightly polar, at codon 152 of the PEX5 protein (p.Leu152Trp). This variant is present in population databases (rs370913045, gnomAD 0.03%). This variant has not been reported in the literature in individuals affected with PEX5-related conditions. ClinVar contains an entry for this variant (Variation ID: 1002205). Advanced modeling of protein sequence and biophysical properties (such as structural, functional, and spatial information, amino acid conservation, physicochemical variation, residue mobility, and thermodynamic stability) has been performed at Invitae for this missense variant, however the output from this modeling did not meet the statistical confidence thresholds required to predict the impact of this variant on PEX5 protein function. In summary, the available evidence is currently insufficient to determine the role of this variant in disease. Therefore, it has been classified as a Variant of Uncertain Significance.

Dr. Peter K. Rogan Lab, Western University
No classification provided (evidence only). Condition: Familial cancer of breast. Review status: no classification provided. Collection method: in vitro. Allele origin: not applicable. Functional consequence: skipped exon. Not counted in ClinVar's aggregate classification.

NM_001351132.2(PEX5):c.455T>G (p.Leu152Trp)

Gene: PEX5 (peroxisomal biogenesis factor 5; plus strand). Cytogenetic location: 12p13.31.
Variant type: single nucleotide variant.
Coding change: c.455T>G on transcript NM_001351132.2 (MANE Select); coding-DNA position 455, T replaced by G.
Protein change: p.Leu152Trp; replaces leucine 152 with tryptophan.
Molecular consequence: missense variant.
Genome position (GRCh38, 1-based): chr12:7,199,017, T>G. VCF-style: chr12-7199017-T-G. GRCh37 (hg19) VCF-style: chr12-7351613-T-G.
Other names: c.455T>G, p.Leu152Trp (NM_000319.5, NM_001131024.2, NM_001131025.2 and 19 more transcripts); c.500T>G, p.Leu167Trp (NM_001131023.2, NM_001351135.3, NM_001351138.2); c.455T>G (NM_001131025.1); short protein forms L152W, L167W.
Identifiers: ClinVar variation 1002205 (VCV001002205.8), dbSNP rs370913045, ClinGen allele CA6426145.